The following is an entry in ClinVar:

NM_002907.4(RECQL):c.566T>A (p.Val189Glu)

Gene: RECQL (RecQ like helicase; minus strand). Cytogenetic location: 12p12.1.
Variant type: single nucleotide variant.
Coding change: c.566T>A on transcript NM_002907.4 (MANE Select); coding-DNA position 566, T replaced by A.
Protein change: p.Val189Glu; replaces valine 189 with glutamic acid.
Molecular consequence: missense variant.
Genome position (GRCh38, 1-based): chr12:21,483,510, A>T on the plus strand (T>A on the coding strand, the complement: RECQL is on the minus strand). VCF-style: chr12-21483510-A-T. GRCh37 (hg19) VCF-style: chr12-21636444-A-T.
Other names: c.566T>A, p.Val189Glu (NM_032941.3); short protein forms V189E.
Identifiers: ClinVar variation 2586004 (VCV002586004.4), dbSNP rs1015267023, ClinGen allele CA384127536.
Genomic context (GRCh38, chr12:21,483,510, plus strand): 5'-TCATAGGCTTTCTCTAGTCTTGACATAAACATTTTGCTTTTTGCAATTTTCTCTGGAGTC[A>T]CATAAATCAGCTTTAACTCGGAGTTTTTATTTACCATTTCAGCATGAACCCATTTAACAT-3'
Protein context (NP_002898.2, residues 179-199): NKNSELKLIY[Val189Glu]TPEKIAKSKM

ClinVar aggregate classification (germline): Uncertain significance. Review status: criteria provided, multiple submitters, no conflicts (2 of 4 stars). 2 submissions from 2 submitters: Uncertain significance (2). Last evaluated 2024-06-24.

gnomAD v4.1: 3 of 1,586,908 alleles (0.00019%); highest among the groups gnomAD compares: Non-Finnish European, 0.00026%; no homozygotes.

Submissions (2):

Labcorp Genetics (formerly Invitae), Labcorp
Classification: Uncertain significance. Last evaluated: 2024-06-24. Review status: criteria provided, single submitter. Criteria: Invitae Variant Classification Sherloc (09022015). Collection method: clinical testing. Allele origin: germline.
Comment: This sequence change replaces valine, which is neutral and non-polar, with glutamic acid, which is acidic and polar, at codon 189 of the RECQL protein (p.Val189Glu). This variant is not present in population databases (gnomAD no frequency). This variant has not been reported in the literature in individuals affected with RECQL-related conditions. ClinVar contains an entry for this variant (Variation ID: 2586004). Advanced modeling of protein sequence and biophysical properties (such as structural, functional, and spatial information, amino acid conservation, physicochemical variation, residue mobility, and thermodynamic stability) performed at Invitae indicates that this missense variant is expected to disrupt RECQL protein function with a positive predictive value of 80%. In summary, the available evidence is currently insufficient to determine the role of this variant in disease. Therefore, it has been classified as a Variant of Uncertain Significance.

Ambry Genetics
Classification: Uncertain significance. Last evaluated: 2023-07-18. Review status: criteria provided, single submitter. Criteria: Ambry Variant Classification Scheme 2023. Collection method: clinical testing. Allele origin: germline.
Comment: The p.V189E variant (also known as c.566T>A), located in coding exon 5 of the RECQL gene, results from a T to A substitution at nucleotide position 566. The valine at codon 189 is replaced by glutamic acid, an amino acid with dissimilar properties. This amino acid position is highly conserved in available vertebrate species. In addition, this alteration is predicted to be deleterious by in silico analysis. The evidence for this gene-disease relationship is limited; therefore, the clinical significance of this alteration is unclear.